The following is an entry in ClinVar:

ClinVar aggregate classification (germline): Uncertain significance. Review status: criteria provided, multiple submitters, no conflicts (2 of 4 stars). 2 submissions from 2 submitters: Uncertain significance (2). Last evaluated 2023-10-10.

Conditions:
Pure or complex autosomal recessive spastic paraplegia. Identifiers: Orphanet 320346, MedGen C5679887, MONDO:0017915.

Submissions (2):

Ambry Genetics
Classification: Uncertain significance. Last evaluated: 2023-10-10. Review status: criteria provided, single submitter. Criteria: Ambry Variant Classification Scheme 2023. Collection method: clinical testing. Allele origin: germline.

Labcorp Genetics (formerly Invitae), Labcorp
Classification: Uncertain significance for Pure or complex autosomal recessive spastic paraplegia. Last evaluated: 2020-08-14. Review status: criteria provided, single submitter. Criteria: Invitae Variant Classification Sherloc (09022015). Collection method: clinical testing. Allele origin: germline.
Comment: This sequence change replaces tyrosine with histidine at codon 662 of the ZFR protein (p.Tyr662His). The tyrosine residue is highly conserved and there is a moderate physicochemical difference between tyrosine and histidine. This variant is not present in population databases (ExAC no frequency). This variant has not been reported in the literature in individuals with ZFR-related conditions. Algorithms developed to predict the effect of missense changes on protein structure and function are either unavailable or do not agree on the potential impact of this missense change (SIFT: "Deleterious"; PolyPhen-2: "Not Available"; Align-GVGD: "Class C0"). In summary, the available evidence is currently insufficient to determine the role of this variant in disease. Therefore, it has been classified as a Variant of Uncertain Significance.

NM_016107.5(ZFR):c.1984T>C (p.Tyr662His)

Gene: ZFR (zinc finger RNA binding protein; minus strand). Cytogenetic location: 5p13.3.
Variant type: single nucleotide variant.
Coding change: c.1984T>C on transcript NM_016107.5 (MANE Select); coding-DNA position 1984, T replaced by C.
Protein change: p.Tyr662His; replaces tyrosine 662 with histidine.
Molecular consequence: missense variant. On other transcripts: non-coding transcript variant (1).
Genome position (GRCh38, 1-based): chr5:32,390,433, A>G on the plus strand (T>C on the coding strand, the complement: ZFR is on the minus strand). VCF-style: chr5-32390433-A-G. GRCh37 (hg19) VCF-style: chr5-32390539-A-G.
Other names: c.1984T>C (NM_016107.3); short protein forms Y662H.
Identifiers: ClinVar variation 1022028 (VCV001022028.10), dbSNP rs1753142358, ClinGen allele CA359355839.